The following is an entry in ClinVar:

NM_000180.4(GUCY2D):c.185G>A (p.Trp62Ter)

Gene: GUCY2D (guanylate cyclase 2D, retinal; plus strand). Cytogenetic location: 17p13.1.
Variant type: single nucleotide variant.
Coding change: c.185G>A on transcript NM_000180.4 (MANE Select); coding-DNA position 185, G replaced by A.
Protein change: p.Trp62Ter; replaces tryptophan 62 with a stop codon.
Molecular consequence: nonsense.
Genome position (GRCh38, 1-based): chr17:8,003,232, G>A. VCF-style: chr17-8003232-G-A. GRCh37 (hg19) VCF-style: chr17-7906550-G-A.
Other names: short protein forms W62*.
Identifiers: ClinVar variation 2923457 (VCV002923457.3), dbSNP rs1975665578, ClinGen allele CA397942911.
Genomic context (GRCh38, chr17:8,003,232, plus strand): 5'-TGCTTCTGCTGCAGCCCCCCGCCCTCTCCGCCGTGTTCACGGTGGGGGTCCTGGGCCCCT[G>A]GGCTTGCGACCCCATCTTCTCTCGGGCTCGCCCGGACCTGGCCGCCCGCCTGGCCGCCGC-3'

ClinVar aggregate classification (germline): Pathogenic (1 of 4 stars; one submission).

Conditions:
Cone-rod dystrophy 6 (CORD6). Also called: Cone dystrophy progressive; RETINAL CONE DYSTROPHY 2. Identifiers: Orphanet 1872, MedGen C1866293, MONDO:0011143, OMIM 601777.
Leber congenital amaurosis 1 (LCA1). Also called: Congenital absence of the rods and cones; Leber's congenital tapetoretinal degeneration; Leber's congenital tapetoretinal dysplasia; AMAUROSIS CONGENITA OF LEBER I; RETINAL BLINDNESS, CONGENITAL. Identifiers: Orphanet 65, MedGen C2931258, MONDO:0008764, OMIM 204000.

Submission:

Labcorp Genetics (formerly Invitae), Labcorp
Classification: Pathogenic for Leber congenital amaurosis 1; Cone-rod dystrophy 6. Last evaluated: 2023-11-25. Review status: criteria provided, single submitter. Criteria: Invitae Variant Classification Sherloc (09022015). Collection method: clinical testing. Allele origin: germline.
Comment: This sequence change creates a premature translational stop signal (p.Trp62*) in the GUCY2D gene. It is expected to result in an absent or disrupted protein product. Loss-of-function variants in GUCY2D are known to be pathogenic (PMID: 10951519, 11328726). This variant is not present in population databases (gnomAD no frequency). This premature translational stop signal has been observed in individual(s) with Leber congenital amaurosis (PMID: 17525851). For these reasons, this variant has been classified as Pathogenic.

Literature cited by the submitters: PubMed 10951519; PubMed 11328726; PubMed 17525851.